The following is an entry in ClinVar:

NM_017654.4(SAMD9):c.3028G>T (p.Asp1010Tyr)

Gene: SAMD9 (sterile alpha motif domain containing 9; minus strand). Cytogenetic location: 7q21.2.
Variant type: single nucleotide variant.
Coding change: c.3028G>T on transcript NM_017654.4 (MANE Select); coding-DNA position 3028, G replaced by T.
Protein change: p.Asp1010Tyr; replaces aspartic acid 1010 with tyrosine.
Molecular consequence: missense variant.
Genome position (GRCh38, 1-based): chr7:93,103,070, C>A on the plus strand (G>T on the coding strand, the complement: SAMD9 is on the minus strand). VCF-style: chr7-93103070-C-A. GRCh37 (hg19) VCF-style: chr7-92732383-C-A.
Other names: c.3028G>T, p.Asp1010Tyr (NM_001193307.2); short protein forms D1010Y.
Identifiers: ClinVar variation 3437106 (VCV003437106.4).

ClinVar aggregate classification (germline): Uncertain significance. Review status: criteria provided, multiple submitters, no conflicts (2 of 4 stars). 3 submissions from 3 submitters: Uncertain significance (3). Last evaluated 2024-12-26.

Conditions:
Inborn genetic diseases. Identifiers: MedGen C0950123, MeSH D030342.

Submissions (3):

Women's Health and Genetics/Laboratory Corporation of America, LabCorp
Classification: Uncertain significance. Last evaluated: 2024-12-26. Review status: criteria provided, single submitter. Criteria: LabCorp Variant Classification Summary - May 2015. Collection method: clinical testing. Allele origin: germline.
Comment: Variant summary: SAMD9 c.3028G>T (p.Asp1010Tyr) results in a non-conservative amino acid change in the encoded protein sequence. Three of five in-silico tools predict a benign effect of the variant on protein function. The variant was absent in 251052 control chromosomes. The available data on variant occurrences in the general population are insufficient to allow any conclusion about variant significance. To our knowledge, no occurrence of c.3028G>T in individuals affected with MIRAGE Syndrome and no experimental evidence demonstrating its impact on protein function have been reported. No submitters have cited clinical-significance assessments for this variant to ClinVar. Based on the evidence outlined above, the variant was classified as uncertain significance.

Ambry Genetics
Classification: Uncertain significance for Inborn genetic diseases. Last evaluated: 2024-12-09. Review status: criteria provided, single submitter. Criteria: Ambry Variant Classification Scheme 2023. Collection method: clinical testing. Allele origin: germline.
Comment: The p.D1010Y variant (also known as c.3028G>T), located in coding exon 1 of the SAMD9 gene, results from a G to T substitution at nucleotide position 3028. The aspartic acid at codon 1010 is replaced by tyrosine, an amino acid with highly dissimilar properties. This amino acid position is conserved. In addition, this alteration is predicted to be tolerated by in silico analysis. Based on the available evidence, the clinical significance of this variant remains unclear.

Labcorp Genetics (formerly Invitae), Labcorp
Classification: Uncertain significance. Last evaluated: 2024-03-26. Review status: criteria provided, single submitter. Criteria: Invitae Variant Classification Sherloc (09022015). Collection method: clinical testing. Allele origin: germline.
Comment: This sequence change replaces aspartic acid, which is acidic and polar, with tyrosine, which is neutral and polar, at codon 1010 of the SAMD9 protein (p.Asp1010Tyr). This variant is present in population databases (no rsID available, gnomAD 0.007%). This variant has not been reported in the literature in individuals affected with SAMD9-related conditions. Advanced modeling of protein sequence and biophysical properties (such as structural, functional, and spatial information, amino acid conservation, physicochemical variation, residue mobility, and thermodynamic stability) performed at Invitae indicates that this missense variant is not expected to disrupt SAMD9 protein function with a negative predictive value of 95%. In summary, the available evidence is currently insufficient to determine the role of this variant in disease. Therefore, it has been classified as a Variant of Uncertain Significance.